The following is an entry in ClinVar:

NM_001985.3(ETFB):c.341_375+154del

Gene: ETFB (electron transfer flavoprotein subunit beta; minus strand). Cytogenetic location: 19q13.41.
Variant type: Deletion.
Coding change: c.341_375+154del on transcript NM_001985.3 (MANE Select); coding-DNA position 341 through 154 bases into the intron after coding-DNA position 375, 189 bases deleted.
Molecular consequence: splice donor variant.
Genome position (GRCh38, 1-based): chr19:51,352,978-51,353,166, 189 bases deleted. GRCh37 (hg19): chr19:51,856,238-51,856,426.
Other names: c.614_648+154del (NM_001014763.1).
Identifiers: ClinVar variation 2034613 (VCV002034613.4), dbSNP rs2514152673, ClinGen allele CA2580097661.

ClinVar aggregate classification (germline): Likely pathogenic (1 of 4 stars; one submission).

Conditions:
Multiple acyl-CoA dehydrogenase deficiency (MADD). Also called: Glutaric acidemia type II; GA 2; Glutaric aciduria, type 2; Glutaric Acidemia type 2; ETHYLMALONIC-ADIPICACIDURIA; GA II. Identifiers: Orphanet 26791, MedGen C0268596, MONDO:0009282, OMIM 231680.

Submission:

Labcorp Genetics (formerly Invitae), Labcorp
Classification: Likely pathogenic for Multiple acyl-CoA dehydrogenase deficiency. Last evaluated: 2022-10-07. Review status: criteria provided, single submitter. Criteria: Invitae Variant Classification Sherloc (09022015). Collection method: clinical testing. Allele origin: germline.
Comment: In summary, the currently available evidence indicates that the variant is pathogenic, but additional data are needed to prove that conclusively. Therefore, this variant has been classified as Likely Pathogenic. This variant disrupts a region of the ETFB protein in which other variant(s) (p.Glu115del) have been observed in individuals with ETFB-related conditions (PMID: 30626930). This suggests that this is a clinically significant region of the protein, and that variants that disrupt it are likely to be disease-causing. Algorithms developed to predict the effect of sequence changes on RNA splicing suggest that this variant may disrupt the consensus splice site. This variant has not been reported in the literature in individuals affected with ETFB-related conditions. This variant is not present in population databases (gnomAD no frequency). This variant results in the deletion of part of exon 3 (c.341_375+154del) of the ETFB gene. It is expected to disrupt RNA splicing. Variants that disrupt the donor or acceptor splice site typically lead to a loss of protein function (PMID: 16199547), and loss-of-function variants in ETFB are known to be pathogenic (PMID: 16510302, 23785301).

Literature cited by the submitters: PubMed 30626930; PubMed 16199547; PubMed 16510302; PubMed 23785301.